The following is an entry in ClinVar:

ClinVar aggregate classification (germline): Likely benign (1 of 4 stars; one submission).

Allele frequency attached by ClinVar (database versions not stated): gnomAD exomes 0.00001.

Submission:

CeGaT Center for Human Genetics Tuebingen
Classification: Likely benign. Last evaluated: 2022-04-01. Review status: criteria provided, single submitter. Criteria: CeGaT Center For Human Genetics Tuebingen Variant Classification Criteria Version 2. Collection method: clinical testing. Allele origin: germline. Affected: yes. Observed: 1 variant allele.
Comment: CTAG2: BP4, BP7

NM_172377.5(CTAG2):c.9C>T (p.Ala3=)

Gene: CTAG2 (cancer/testis antigen 2; minus strand). Cytogenetic location: Xq28.
Variant type: single nucleotide variant.
Coding change: c.9C>T on transcript NM_172377.5 (MANE Select); coding-DNA position 9, C replaced by T.
Protein change: p.Ala3=; no amino-acid change (alanine 3 retained).
Molecular consequence: synonymous variant.
Genome position (GRCh38, 1-based): chrX:154,653,507, G>A on the plus strand (C>T on the coding strand, the complement: CTAG2 is on the minus strand). VCF-style: chrX-154653507-G-A. GRCh37 (hg19) VCF-style: chrX-153881781-G-A.
Other names: c.9C>T, p.Ala3= (NM_020994.5).
Identifiers: ClinVar variation 2661857 (VCV002661857.24), dbSNP rs1454700901, ClinGen allele CA519716940.